The following is an entry in ClinVar:

NM_003000.3(SDHB):c.178A>G (p.Thr60Ala)

Gene: SDHB (succinate dehydrogenase complex iron sulfur subunit B; minus strand). Cytogenetic location: 1p36.13.
Variant type: single nucleotide variant.
Coding change: c.178A>G on transcript NM_003000.3 (MANE Select); coding-DNA position 178, A replaced by G.
Protein change: p.Thr60Ala; replaces threonine 60 with alanine.
Molecular consequence: missense variant.
Genome position (GRCh38, 1-based): chr1:17,044,783, T>C on the plus strand (A>G on the coding strand, the complement: SDHB is on the minus strand). VCF-style: chr1-17044783-T-C. GRCh37 (hg19) VCF-style: chr1-17371278-T-C.
Other names: short protein forms T60A.
Identifiers: ClinVar variation 239423 (VCV000239423.42), dbSNP rs34599281, ClinGen allele CA089521.

ClinVar aggregate classification (germline): Conflicting classifications of pathogenicity. Review status: criteria provided, conflicting classifications (1 of 4 stars). 15 submissions from 13 submitters: Uncertain significance (11); Benign (2); Likely benign (1). 1 of the submissions does not count toward it. Last evaluated 2026-02-13.

Conditions:
SDHB-related disorder. Also called: SDHB-related condition; SDHB-related disorders. Identifiers: MedGen CN239418.
Cowden syndrome (CS). Also called: Cowden's syndrome; Cowden disease; Cowden's disease. Identifiers: Orphanet 201, MedGen C0018553, MONDO:0016063. Disease mechanism: gain of function.
Pheochromocytoma/paraganglioma syndrome 4. Also called: SDHB-Related Hereditary Paraganglioma-Pheochromocytoma Syndrome (Paragangliomas 4); SDHB-Related Hereditary Paraganglioma-Pheochromocytoma Syndrome; CAROTID BODY TUMORS AND MULTIPLE EXTRAADRENAL PHEOCHROMOCYTOMAS; PARAGANGLIOMA, FAMILIAL MALIGNANT; PARAGANGLIOMAS, HEREDITARY EXTRAADRENAL; PHEOCHROMOCYTOMA, FAMILIAL EXTRAADRENAL. Identifiers: Orphanet 29072, MedGen C1861848, MONDO:0007273, OMIM 115310.
Pheochromocytoma. Also called: MAX-Related Hereditary Paraganglioma-Pheochromocytoma Syndrome. Identifiers: Orphanet 29072, MedGen C0031511, MONDO:0008233, OMIM 171300, HP:0002666.
Gastrointestinal stromal tumor. Also called: Gastrointestinal stromal tumor, somatic; Gastrointestinal stroma tumor. Identifiers: Orphanet 44890, MedGen C0238198, MeSH D046152, MONDO:0011719, OMIM 606764, HP:0100723.
Hereditary pheochromocytoma and paraganglioma. Also called: Hereditary Paraganglioma-Pheochromocytoma Syndromes; Hereditary paragangliomas and pheochromocytomas; Hereditary pheochromocytoma-paraganglioma. Identifiers: Orphanet 29072, MedGen C4274332, MONDO:0017366.
Hereditary cancer-predisposing syndrome. Also called: Tumor predisposition; Hereditary neoplastic syndrome; Hereditary Cancer Syndrome; Neoplastic Syndromes, Hereditary. Identifiers: Orphanet 140162, MedGen C0027672, MeSH D009386, MONDO:0015356.
Carney-Stratakis syndrome. Also called: PARAGANGLIOMA AND GASTROINTESTINAL STROMAL TUMOR. Identifiers: Orphanet 97286, MedGen C1847319, MONDO:0011740, OMIM 606864.

Allele frequency attached by ClinVar (database versions not stated): gnomAD exomes 0.00006 and 0.00010; ExAC 0.00007; gnomAD 0.00007; TOPMed 0.00008; ESP Exome Variant Server 0.00015.
gnomAD v4.1: 156 of 1,613,972 alleles (0.0097%); highest among the groups gnomAD compares: Non-Finnish European, 0.012%; no homozygotes.

Submissions (15):

GeneDx
Classification: Uncertain significance. Last evaluated: 2026-02-13. Review status: criteria provided, single submitter. Criteria: GeneDx Variant Classification Process June 2021. Collection method: clinical testing. Allele origin: germline. Affected: yes.
Comment: Observed in individuals with pheochromocytoma/paraganglioma, breast cancer, or other cancer (PMID: 25694510, 28873162, 30086788, 34271781, 34906457); In silico analysis suggests that this missense variant does not alter protein structure/function; Not observed at significant frequency in large population cohorts (gnomAD); This variant is associated with the following publications: (PMID: 25694510, 28873162, 30086788, 29510530, 28819017, 34426522, 34271781, 34326862, 34906457, 38473309, 30476936, Alam_Abstract2025, 41252211)

Labcorp Genetics (formerly Invitae), Labcorp
Classification: Uncertain significance for Gastrointestinal stromal tumor; Pheochromocytoma/paraganglioma syndrome 4; Pheochromocytoma. Last evaluated: 2026-01-27. Review status: criteria provided, single submitter. Criteria: Invitae Variant Classification Sherloc (09022015). Collection method: clinical testing. Allele origin: germline.
Comment: This sequence change replaces threonine, which is neutral and polar, with alanine, which is neutral and non-polar, at codon 60 of the SDHB protein (p.Thr60Ala). This variant is present in population databases (rs34599281, gnomAD 0.01%). This missense change has been observed in individual(s) with adenocortical carcinoma and/or thyroid cancer (PMID: 25694510, 28819017, 30086788). ClinVar contains an entry for this variant (Variation ID: 239423). Invitae Evidence Modeling of protein sequence and biophysical properties (such as structural, functional, and spatial information, amino acid conservation, physicochemical variation, residue mobility, and thermodynamic stability) indicates that this missense variant is not expected to disrupt SDHB protein function with a negative predictive value of 80%. In summary, the available evidence is currently insufficient to determine the role of this variant in disease. Therefore, it has been classified as a Variant of Uncertain Significance.

Color Diagnostics, LLC DBA Color Health
Classification: Uncertain significance for Hereditary pheochromocytoma and paraganglioma. Last evaluated: 2025-06-17. Review status: criteria provided, single submitter. Criteria: ACMG Guidelines, 2015. Collection method: clinical testing. Allele origin: germline.
Comment: This missense variant replaces threonine with alanine at codon 60 of the SDHB protein. Computational prediction suggests that this variant may have deleterious impact on protein structure and function. To our knowledge, functional studies have not been reported for this variant. This variant has not been reported in individuals affected with SDHB-related disorders in the literature. This variant has been identified in 15/251350 chromosomes in the general population by the Genome Aggregation Database (gnomAD). The available evidence is insufficient to determine the role of this variant in disease conclusively. Therefore, this variant is classified as a Variant of Uncertain Significance.

Quest Diagnostics Nichols Institute San Juan Capistrano
Classification: Uncertain significance. Last evaluated: 2025-04-12. Review status: criteria provided, single submitter. Criteria: Quest Diagnostics criteria. Collection method: clinical testing. Allele origin: unknown.

Center for Genomic Medicine, Rigshospitalet, Copenhagen University Hospital
Classification: Uncertain significance. Last evaluated: 2025-03-04. Review status: criteria provided, single submitter. Criteria: ACMG Guidelines, 2015. Collection method: clinical testing. Allele origin: germline.

St. Jude Molecular Pathology, St. Jude Children's Research Hospital
Classification: Uncertain significance for Pheochromocytoma/paraganglioma syndrome 4. Last evaluated: 2024-07-08. Review status: criteria provided, single submitter. Criteria: St. Jude Assertion Criteria 2020. Collection method: clinical testing. Allele origin: germline.
Comment: The SDHB c.178A>G (p.Thr60Ala) missense change has a maximum frequency of 0.01% in gnomAD v2.1.1. The in silico tool REVEL predicts a deleterious effect on protein function, but to our knowledge this prediction has not been confirmed by functional studies. To our knowledge, this variant has not been reported in individuals with hereditary paraganglioma-pheochromocytoma syndrome. In summary, the evidence currently available is insufficient to determine the clinical significance of this variant. It has therefore been classified as of uncertain significance.

Baylor Genetics
Classification: Uncertain significance for Gastrointestinal stromal tumor. Last evaluated: 2024-03-06. Review status: criteria provided, single submitter. Criteria: ACMG Guidelines, 2015. Collection method: clinical testing. Allele origin: unknown.

Department of Pathology and Laboratory Medicine, Sinai Health System
Classification: Uncertain significance for Cowden syndrome. Last evaluated: 2021-10-27. Review status: criteria provided, single submitter. Criteria: ACMG Guidelines, 2015. Collection method: clinical testing. Allele origin: germline. Affected: yes.

Sema4
Classification: Uncertain significance for Hereditary cancer-predisposing syndrome. Last evaluated: 2021-05-26. Review status: criteria provided, single submitter. Criteria: Sema4 Curation Guidelines. Collection method: curation. Allele origin: germline.
Comment: The SDHB c.178A>G (p.T60A) variant has been reported in heterozygosity in individuals with thyroid cancer, adrenocortical carcinoma, and advanced cancer (PMID: 25694510, 28819017, 28873162). It was observed in 13/113648 chromosomes of the Non-Finnish European subpopulation, with no homozygotes, in the large and broad cohorts of the Genome Aggregation Database. The variant has been reported in ClinVar (Variation ID 239423). In silico tools suggest the impact of the variant on protein function is deleterious, though these predictions have not been confirmed by functional studies. The evidence is insufficient to meet ACMG/AMP criteria for classifying the variant as benign or pathogenic. Thus, the clinical significance of this variant is currently uncertain.

Baylor Genetics
Classification: Uncertain significance for Pheochromocytoma/paraganglioma syndrome 4. Last evaluated: 2019-10-11. Review status: criteria provided, single submitter. Criteria: ACMG Guidelines, 2015. Collection method: clinical testing. Allele origin: maternal. Affected: yes. Study: CSER-TexasKidsCanSeq.
Comment: This variant was determined to be of uncertain significance according to ACMG Guidelines, 2015 [PMID:25741868].

Ambry Genetics
Classification: Likely benign for Hereditary cancer-predisposing syndrome. Last evaluated: 2019-01-31. Review status: criteria provided, single submitter. Criteria: Ambry Variant Classification Scheme 2023. Collection method: clinical testing. Allele origin: germline.

Genomic Research Center, Shahid Beheshti University of Medical Sciences
Classification: Uncertain significance for Gastrointestinal stromal tumor. Last evaluated: 2017-12-18. Review status: criteria provided, single submitter. Criteria: ACMG Guidelines, 2015. Collection method: clinical testing. Allele origin: inherited. Affected: yes.

Illumina Laboratory Services, Illumina
Classification: Benign for Hereditary Paraganglioma-Pheochromocytoma Syndromes. Last evaluated: 2017-04-28. Review status: criteria provided, single submitter. Criteria: ICSL Variant Classification Criteria 13 December 2019. Collection method: clinical testing. Allele origin: germline.
Comment: This variant was observed as part of a predisposition screen in an ostensibly healthy population. A literature search was performed for the gene, cDNA change, and amino acid change (where applicable). No publications were found based on this search. Allele frequency data from public databases was too high to be consistent with this variant causing disease. Therefore, this variant is classified as benign.

Illumina Laboratory Services, Illumina
Classification: Benign for Carney-Stratakis syndrome. Last evaluated: 2017-04-28. Review status: criteria provided, single submitter. Criteria: ICSL Variant Classification Criteria 13 December 2019. Collection method: clinical testing. Allele origin: germline.
Comment: the same text as in the submission from Illumina Laboratory Services, Illumina above.

PreventionGenetics, part of Exact Sciences
Classification: Uncertain significance for SDHB-related condition. Last evaluated: 2024-03-25. Review status: no assertion criteria provided. Collection method: clinical testing. Allele origin: germline. Not counted in ClinVar's aggregate classification.
Comment: The SDHB c.178A>G variant is predicted to result in the amino acid substitution p.Thr60Ala. This variant was reported in individuals with thyroid cancer, breast cancer, or pheochromocytomas/paragangliomas (Ni et al. 2015. PubMed ID: 25694510; eTable in Supplement 2, Mandelker et al. 2017. PubMed ID: 28873162; Penkert et al. 2018. PubMed ID: 30086788; Table S2, Garrett et al. 2022. PubMed ID: 34906457). This variant is reported in 0.011% of alleles in individuals of European (Non-Finnish) descent in gnomAD and has conflicting interpretations of pathogenicity in ClinVar ranging from benign to uncertain. At this time, the clinical significance of this variant is uncertain due to the absence of conclusive functional and genetic evidence.

Literature cited by the submitters: PubMed 25694510 (cited by 5 submitters); PubMed 28819017 (cited by Labcorp Genetics (formerly Invitae), Labcorp and Sema4); PubMed 30086788 (cited by Labcorp Genetics (formerly Invitae), Labcorp and Department of Pathology and Laboratory Medicine, Sinai Health System); PubMed 34906457 (cited by Center for Genomic Medicine, Rigshospitalet, Copenhagen University Hospital); PubMed 28873162 (cited by Department of Pathology and Laboratory Medicine, Sinai Health System and Sema4).